The following is an entry in ClinVar:

NM_005732.4(RAD50):c.1868C>T (p.Ser623Phe)

Gene: RAD50 (RAD50 double strand break repair protein; plus strand). Cytogenetic location: 5q31.1.
Variant type: single nucleotide variant.
Coding change: c.1868C>T on transcript NM_005732.4 (MANE Select); coding-DNA position 1868, C replaced by T.
Protein change: p.Ser623Phe; replaces serine 623 with phenylalanine.
Molecular consequence: missense variant.
Genome position (GRCh38, 1-based): chr5:132,594,943, C>T. VCF-style: chr5-132594943-C-T. GRCh37 (hg19) VCF-style: chr5-131930635-C-T.
Other names: short protein forms S623F.
Identifiers: ClinVar variation 408404 (VCV000408404.15), dbSNP rs760464509, ClinGen allele CA3405286.

ClinVar aggregate classification (germline): Uncertain significance. Review status: criteria provided, multiple submitters, no conflicts (2 of 4 stars). 3 submissions from 3 submitters: Uncertain significance (3). Last evaluated 2025-03-07.

Conditions:
RAD50-related disorder. Also called: RAD50-related condition.
Hereditary cancer-predisposing syndrome. Also called: Hereditary Cancer Syndrome; Hereditary neoplastic syndrome; Neoplastic Syndromes, Hereditary; Tumor predisposition. Identifiers: Orphanet 140162, MedGen C0027672, MeSH D009386, MONDO:0015356.

Allele frequency attached by ClinVar (database versions not stated): gnomAD exomes below 0.00001; ExAC 0.00002; TOPMed 0.00002; gnomAD 0.00003.
gnomAD v4.1: 7 of 1,609,818 alleles (0.00043%); highest among the groups gnomAD compares: African/African-American, 0.008%; no homozygotes.

Submissions (3):

Labcorp Genetics (formerly Invitae), Labcorp
Classification: Uncertain significance for Hereditary cancer-predisposing syndrome. Last evaluated: 2025-03-07. Review status: criteria provided, single submitter. Criteria: Invitae Variant Classification Sherloc (09022015). Collection method: clinical testing. Allele origin: germline.
Comment: This sequence change replaces serine, which is neutral and polar, with phenylalanine, which is neutral and non-polar, at codon 623 of the RAD50 protein (p.Ser623Phe). This variant is present in population databases (rs760464509, gnomAD 0.008%). This variant has not been reported in the literature in individuals affected with RAD50-related conditions. ClinVar contains an entry for this variant (Variation ID: 408404). Invitae Evidence Modeling of protein sequence and biophysical properties (such as structural, functional, and spatial information, amino acid conservation, physicochemical variation, residue mobility, and thermodynamic stability) has been performed for this missense variant. However, the output from this modeling did not meet the statistical confidence thresholds required to predict the impact of this variant on RAD50 protein function. In summary, the available evidence is currently insufficient to determine the role of this variant in disease. Therefore, it has been classified as a Variant of Uncertain Significance.

Ambry Genetics
Classification: Uncertain significance for Hereditary cancer-predisposing syndrome. Last evaluated: 2024-03-12. Review status: criteria provided, single submitter. Criteria: Ambry Variant Classification Scheme 2023. Collection method: clinical testing. Allele origin: germline.
Comment: The p.S623F variant (also known as c.1868C>T), located in coding exon 12 of the RAD50 gene, results from a C to T substitution at nucleotide position 1868. The serine at codon 623 is replaced by phenylalanine, an amino acid with highly dissimilar properties. This amino acid position is not well conserved in available vertebrate species. In addition, this alteration is predicted to be tolerated by in silico analysis. Since supporting evidence is limited at this time, the clinical significance of this alteration remains unclear.

PreventionGenetics, part of Exact Sciences
Classification: Uncertain significance for RAD50-related condition. Last evaluated: 2023-04-19. Review status: criteria provided, single submitter. Criteria: ACMG Guidelines, 2015. Collection method: clinical testing. Allele origin: germline.
Comment: The RAD50 c.1868C>T variant is predicted to result in the amino acid substitution p.Ser623Phe. To our knowledge, this variant has not been reported in the literature. This variant is reported in 0.0062% of alleles in individuals of African descent in gnomAD. At this time, the clinical significance of this variant is uncertain due to the absence of conclusive functional and genetic evidence.